The following is an entry in ClinVar:

ClinVar aggregate classification (germline): Conflicting classifications of pathogenicity. Review status: criteria provided, conflicting classifications (1 of 4 stars). 3 submissions from 3 submitters: Uncertain significance (2); Likely benign (1). Last evaluated 2023-05-17.

Conditions:
Inborn genetic diseases. Identifiers: MedGen C0950123, MeSH D030342.

Allele frequency attached by ClinVar (database versions not stated): gnomAD 0.00005; gnomAD exomes 0.00003; ESP Exome Variant Server 0.00008; TOPMed 0.00005.

Submissions (3):

Ambry Genetics
Classification: Likely benign for Inborn genetic diseases. Last evaluated: 2023-05-17. Review status: criteria provided, single submitter. Criteria: Ambry Variant Classification Scheme 2023. Collection method: clinical testing. Allele origin: germline.

Labcorp Genetics (formerly Invitae), Labcorp
Classification: Uncertain significance. Last evaluated: 2022-07-30. Review status: criteria provided, single submitter. Criteria: Invitae Variant Classification Sherloc (09022015). Collection method: clinical testing. Allele origin: germline.
Comment: This sequence change replaces arginine, which is basic and polar, with threonine, which is neutral and polar, at codon 220 of the RNF168 protein (p.Arg220Thr). This variant is present in population databases (rs371453745, gnomAD 0.06%). This variant has not been reported in the literature in individuals affected with RNF168-related conditions. ClinVar contains an entry for this variant (Variation ID: 1504895). Algorithms developed to predict the effect of missense changes on protein structure and function output the following: SIFT: "Tolerated"; PolyPhen-2: "Benign"; Align-GVGD: "Class C0". The threonine amino acid residue is found in multiple mammalian species, which suggests that this missense change does not adversely affect protein function. In summary, the available evidence is currently insufficient to determine the role of this variant in disease. Therefore, it has been classified as a Variant of Uncertain Significance.

Breakthrough Genomics
Classification: Uncertain significance. Review status: criteria provided, single submitter. Criteria: ACMG Guidelines, 2015. Collection method: not provided. Allele origin: germline. Inheritance: Autosomal recessive inheritance. Affected: yes.

NM_152617.4(RNF168):c.659G>C (p.Arg220Thr)

Gene: RNF168 (ring finger protein 168; minus strand). Cytogenetic location: 3q29.
Variant type: single nucleotide variant.
Coding change: c.659G>C on transcript NM_152617.4 (MANE Select); coding-DNA position 659, G replaced by C.
Protein change: p.Arg220Thr; replaces arginine 220 with threonine.
Molecular consequence: missense variant.
Genome position (GRCh38, 1-based): chr3:196,483,791, C>G on the plus strand (G>C on the coding strand, the complement: RNF168 is on the minus strand). VCF-style: chr3-196483791-C-G. GRCh37 (hg19) VCF-style: chr3-196210662-C-G.
Other names: c.659G>C (NM_152617.3); short protein forms R220T.
Identifiers: ClinVar variation 1504895 (VCV001504895.6), dbSNP rs371453745, ClinGen allele CA90855345.